The following is an entry in ClinVar:

ClinVar aggregate classification (germline): Uncertain significance (1 of 4 stars; one submission).

Conditions:
Inborn genetic diseases. Identifiers: MedGen C0950123, MeSH D030342.

gnomAD v4.1: 17 of 1,611,546 alleles (0.0011%); highest among the groups gnomAD compares: Non-Finnish European, 0.0014%; no homozygotes.

Submission:

Ambry Genetics
Classification: Uncertain significance for Inborn genetic diseases. Last evaluated: 2023-12-30. Review status: criteria provided, single submitter. Criteria: Ambry Variant Classification Scheme 2023. Collection method: clinical testing. Allele origin: germline.
Comment: The p.L609F variant (also known as c.1825C>T), located in coding exon 16 of the LRRK2 gene, results from a C to T substitution at nucleotide position 1825. The leucine at codon 609 is replaced by phenylalanine, an amino acid with highly similar properties. This amino acid position is conserved. In addition, this alteration is predicted to be deleterious by in silico analysis. Since supporting evidence is limited at this time, the clinical significance of this alteration remains unclear.

NM_198578.4(LRRK2):c.1825C>T (p.Leu609Phe)

Gene: LRRK2 (leucine rich repeat kinase 2; plus strand). Cytogenetic location: 12q12.
Variant type: single nucleotide variant.
Coding change: c.1825C>T on transcript NM_198578.4 (MANE Select); coding-DNA position 1825, C replaced by T.
Protein change: p.Leu609Phe; replaces leucine 609 with phenylalanine.
Molecular consequence: missense variant.
Genome position (GRCh38, 1-based): chr12:40,274,877, C>T. VCF-style: chr12-40274877-C-T. GRCh37 (hg19) VCF-style: chr12-40668679-C-T.
Other names: short protein forms L609F.
Identifiers: ClinVar variation 1780832 (VCV001780832.2), dbSNP rs142717718, ClinGen allele CA235328356.